The following is an entry in ClinVar:

NM_024741.3(ZNF408):c.368G>A (p.Cys123Tyr)

Gene: ZNF408 (zinc finger protein 408; plus strand). Cytogenetic location: 11p11.2.
Variant type: single nucleotide variant.
Coding change: c.368G>A on transcript NM_024741.3 (MANE Select); coding-DNA position 368, G replaced by A.
Protein change: p.Cys123Tyr; replaces cysteine 123 with tyrosine.
Molecular consequence: missense variant.
Genome position (GRCh38, 1-based): chr11:46,702,741, G>A. VCF-style: chr11-46702741-G-A. GRCh37 (hg19) VCF-style: chr11-46724291-G-A.
Other names: c.344G>A, p.Cys115Tyr (NM_001184751.2); short protein forms C123Y, C115Y.
Identifiers: ClinVar variation 2010537 (VCV002010537.4), dbSNP rs1164972461, ClinGen allele CA380252090.

ClinVar aggregate classification (germline): Uncertain significance (1 of 4 stars; one submission).

Submission:

Labcorp Genetics (formerly Invitae), Labcorp
Classification: Uncertain significance. Last evaluated: 2024-11-09. Review status: criteria provided, single submitter. Criteria: Invitae Variant Classification Sherloc (09022015). Collection method: clinical testing. Allele origin: germline.
Comment: This sequence change replaces cysteine, which is neutral and slightly polar, with tyrosine, which is neutral and polar, at codon 123 of the ZNF408 protein (p.Cys123Tyr). This variant is not present in population databases (gnomAD no frequency). This variant has not been reported in the literature in individuals affected with ZNF408-related conditions. ClinVar contains an entry for this variant (Variation ID: 2010537). An algorithm developed to predict the effect of missense changes on protein structure and function (PolyPhen-2) suggests that this variant is likely to be disruptive. In summary, the available evidence is currently insufficient to determine the role of this variant in disease. Therefore, it has been classified as a Variant of Uncertain Significance.